The following is an entry in ClinVar:

NM_201384.3(PLEC):c.8455G>C (p.Val2819Leu)

Gene: PLEC (plectin; minus strand). Cytogenetic location: 8q24.3.
Variant type: single nucleotide variant.
Coding change: c.8455G>C on transcript NM_201384.3 (MANE Select); coding-DNA position 8455, G replaced by C.
Protein change: p.Val2819Leu; replaces valine 2819 with leucine.
Molecular consequence: missense variant.
Genome position (GRCh38, 1-based): chr8:143,921,366, C>G on the plus strand (G>C on the coding strand, the complement: PLEC is on the minus strand). VCF-style: chr8-143921366-C-G. GRCh37 (hg19) VCF-style: chr8-144995534-C-G.
Other names: c.8866G>C, p.Val2956Leu (NM_201380.4); c.8359G>C, p.Val2787Leu (NM_201381.3); c.8455G>C, p.Val2819Leu (NM_201382.4); c.8467G>C, p.Val2823Leu (NM_201383.3); c.8536G>C, p.Val2846Leu (NM_000445.5); c.5155G>C, p.Val1719Leu (NM_001410941.1); c.8413G>C, p.Val2805Leu (NM_201378.4); c.8389G>C, p.Val2797Leu (NM_201379.3); short protein forms V2823L, V2787L, V2805L, V2956L, V1719L, V2797L, V2819L, V2846L.
Identifiers: ClinVar variation 4790385 (VCV004790385.1).
Genomic context (GRCh38, chr8:143,921,366, plus strand): 5'-TCTCCTCGTCGAAGTAGCCGCGCCGGTAGGCCACGTCCACGGGCACGCGGTGGCTGTGCA[C>G]GGGGTCGATAACGCCGCCCGTGGCGATCTGGGCCTCCAGCAGGCGGATGCCGTGCTCCCG-3'
Protein context (NP_958786.1, residues 2809-2829): QIATGGVIDP[Val2819Leu]HSHRVPVDVA

ClinVar aggregate classification (germline): Uncertain significance (1 of 4 stars; one submission).

Conditions:
Epidermolysis bullosa simplex with nail dystrophy (EBS5D). Identifiers: MedGen C4225309, MONDO:0014661, OMIM 616487.
Epidermolysis bullosa simplex, Ogna type (EBS5A). Also called: EPIDERMOLYSIS BULLOSA SIMPLEX 5A, OGNA TYPE; Pidermolysis bullosa simplex 5A, Ogna type. Identifiers: Orphanet 79401, MedGen C0432317, MONDO:0007555, OMIM 131950.
Autosomal recessive limb-girdle muscular dystrophy type 2Q (LGMDR17). Also called: MUSCULAR DYSTROPHY, LIMB-GIRDLE, AUTOSOMAL RECESSIVE 17. Identifiers: Orphanet 254361, MedGen C3150989, MONDO:0013390, OMIM 613723.
Epidermolysis bullosa simplex 5B, with muscular dystrophy (EBS5B). Also called: EPIDERMOLYSIS BULLOSA SIMPLEX AND LIMB-GIRDLE MUSCULAR DYSTROPHY; Epidermolysis bullosa simplex with muscular dystrophy. Identifiers: Orphanet 257, MedGen C2931072, MONDO:0009181, OMIM 226670.
Epidermolysis bullosa simplex 5C, with pyloric atresia (EBS5C). Also called: PLEC-Related Epidermolysis Bullosa with Pyloric Atresia; Epidermolysis bullosa simplex with pyloric atresia; PLEC1-Related Epidermolysis Bullosa with Pyloric Atresia. Identifiers: Orphanet 158684, MedGen C2677349, MONDO:0012807, OMIM 612138.

gnomAD v4.1: 1 of 1,613,508 alleles (0.000062%); no homozygotes.

Submission:

Labcorp Genetics (formerly Invitae), Labcorp
Classification: Uncertain significance for Autosomal recessive limb-girdle muscular dystrophy type 2Q; Epidermolysis bullosa simplex, Ogna type; Epidermolysis bullosa simplex with nail dystrophy; Epidermolysis bullosa simplex 5C, with pyloric atresia; Epidermolysis bullosa simplex 5B, with muscular dystrophy. Last evaluated: 2025-12-22. Review status: criteria provided, single submitter. Criteria: Invitae Variant Classification Sherloc (09022015). Collection method: clinical testing. Allele origin: germline.
Comment: This sequence change replaces valine, which is neutral and non-polar, with leucine, which is neutral and non-polar, at codon 2846 of the PLEC protein (p.Val2846Leu). This variant is not present in population databases (gnomAD no frequency). This variant has not been reported in the literature in individuals affected with PLEC-related conditions. Invitae Evidence Modeling of protein sequence and biophysical properties (such as structural, functional, and spatial information, amino acid conservation, physicochemical variation, residue mobility, and thermodynamic stability) indicates that this missense variant is not expected to disrupt PLEC protein function with a negative predictive value of 80%. In summary, the available evidence is currently insufficient to determine the role of this variant in disease. Therefore, it has been classified as a Variant of Uncertain Significance.